The following is an entry in ClinVar:

ClinVar aggregate classification (germline): Uncertain significance (1 of 4 stars; one submission).

Conditions:
Inborn genetic diseases. Identifiers: MedGen C0950123, MeSH D030342.

Submission:

Ambry Genetics
Classification: Uncertain significance for Inborn genetic diseases. Last evaluated: 2024-07-08. Review status: criteria provided, single submitter. Criteria: Ambry Variant Classification Scheme 2023. Collection method: clinical testing. Allele origin: germline.
Comment: Not expected to trigger nonsense-mediated mRNA decay Based on insufficient or conflicting evidence, the clinical significance of this alteration remains unclear.

NM_001009944.3(PKD1):c.12311_12320dup (p.Trp4108fs)

Gene: PKD1 (polycystin 1, transient receptor potential channel interacting; minus strand). Cytogenetic location: 16p13.3.
Variant type: Duplication.
Coding change: c.12311_12320dup on transcript NM_001009944.3 (MANE Select); coding-DNA positions 12311 to 12320, 10 bases duplicated (TTATTCTCCG; older notation c.12311_12320dupTTATTCTCCG).
Protein change: p.Trp4108fs; shifts the reading frame from tryptophan 4108.
Molecular consequence: frameshift variant.
Genome position (GRCh38, 1-based): chr16:2,090,409-2,090,418, CGGAGAATAA duplicated on the plus strand (TTATTCTCCG on the coding strand, the reverse complement: PKD1 is on the minus strand); duplicating any 10 consecutive bases within chr16:2,090,409-2,090,419 gives the same sequence; the c. name uses the placement nearest the transcript's 3' end. VCF-style (leftmost placement, unchanged base first): chr16-2090408-G-GCGGAGAATAA. GRCh37 (hg19) VCF-style: chr16-2140409-G-GCGGAGAATAA.
Other names: c.12308_12317dup, p.Trp4107fs (NM_000296.4); short protein forms W4107fs, W4108fs.
Identifiers: ClinVar variation 3419005 (VCV003419005.1).
Genomic context (GRCh38, chr16:2,090,408, plus strand): 5'-GTAGTCCTGGGGCTCCCAGGCCGGCCGGTACAGCTCTCCACGCAAGGCGTGGTAGCGCCA[G>GCGGAGAATAA]CGGAGAATAACAGCCCCCAGCCGTAGGGCGCCCCACAGCCGCAGTGCCCAGAGCCCCACA-3'